The following is an entry in ClinVar:

ClinVar aggregate classification (germline): Uncertain significance. Review status: criteria provided, multiple submitters, no conflicts (2 of 4 stars). 2 submissions from 2 submitters: Uncertain significance (2). Last evaluated 2022-01-18.

Conditions:
Inborn genetic diseases. Identifiers: MedGen C0950123, MeSH D030342.
Epidermolysis bullosa simplex 3, localized or generalized intermediate, with BP230 deficiency (EBS3). Also called: Epidermolysis bullosa simplex, autosomal recessive 2; Epidermolysis bullosa simplex due to BP230 deficiency. Identifiers: Orphanet 412181, MedGen C3809470, MONDO:0014180, OMIM 615425.
Hereditary sensory and autonomic neuropathy type 6. Also called: HSAN VI; Neuropathy, hereditary sensory and autonomic, type VI. Identifiers: Orphanet 314381, MedGen C3539003, MONDO:0013839, OMIM 614653.

Allele frequency attached by ClinVar (database versions not stated): gnomAD 0.00001; gnomAD exomes 0.00001; TOPMed 0.00001; ExAC 0.00002.
gnomAD v4.1: 8 of 1,607,226 alleles (0.0005%); highest among the groups gnomAD compares: South Asian, 0.0067%; no homozygotes.

Submissions (2):

Ambry Genetics
Classification: Uncertain significance for Inborn genetic diseases. Last evaluated: 2022-01-18. Review status: criteria provided, single submitter. Criteria: Ambry Variant Classification Scheme 2023. Collection method: clinical testing. Allele origin: germline.
Comment: The p.H3651Q variant (also known as c.10953C>A), located in coding exon 60 of the DST gene, results from a C to A substitution at nucleotide position 10953. The histidine at codon 3651 is replaced by glutamine, an amino acid with highly similar properties. This amino acid position is not well conserved in available vertebrate species, and glutamine is the reference amino acid in other vertebrate species. In addition, this alteration is predicted to be tolerated by in silico analysis. Since supporting evidence is limited at this time, the clinical significance of this alteration remains unclear.

Labcorp Genetics (formerly Invitae), Labcorp
Classification: Uncertain significance for Epidermolysis bullosa simplex 3, localized or generalized intermediate, with BP230 deficiency; Hereditary sensory and autonomic neuropathy type 6. Last evaluated: 2021-08-28. Review status: criteria provided, single submitter. Criteria: Invitae Variant Classification Sherloc (09022015). Collection method: clinical testing. Allele origin: germline.

NM_001374736.1(DST):c.17310C>A (p.His5770Gln)

Gene: DST (dystonin; minus strand). Cytogenetic location: 6p12.1.
Variant type: single nucleotide variant.
Coding change: c.17310C>A on transcript NM_001374736.1 (MANE Select); coding-DNA position 17310, C replaced by A.
Protein change: p.His5770Gln; replaces histidine 5770 with glutamine.
Molecular consequence: missense variant. On other transcripts: intron variant (2).
Genome position (GRCh38, 1-based): chr6:56,529,733, G>T on the plus strand (C>A on the coding strand, the complement: DST is on the minus strand). VCF-style: chr6-56529733-G-T. GRCh37 (hg19) VCF-style: chr6-56394531-G-T.
Other names: c.10953C>A, p.His3651Gln (NM_001144769.5); c.10539C>A, p.His3513Gln (NM_001144770.2); c.17310C>A, p.His5770Gln (NM_001374722.1); c.17337C>A, p.His5779Gln (NM_001374734.1); c.10419C>A, p.His3473Gln (NM_001386100.1, NM_183380.4); c.9441C>A, p.His3147Gln (NM_015548.5); c.10377+241C>A (NM_001374730.1); c.16635+241C>A (NM_001374729.1); short protein forms H3147Q, H3473Q, H3513Q, H3651Q, H5770Q, H5779Q.
Identifiers: ClinVar variation 999169 (VCV000999169.6), dbSNP rs751772852, ClinGen allele CA3867457.